The following is an entry in ClinVar:

NM_001267550.2(TTN):c.107125A>G (p.Arg35709Gly)

Genes: TTN (titin; minus strand), TTN-AS1 (TTN antisense RNA 1; plus strand). Cytogenetic location: 2q31.2.
Variant type: single nucleotide variant.
Coding change: c.107125A>G on transcript NM_001267550.2 (MANE Select); coding-DNA position 107125, A replaced by G.
Protein change: p.Arg35709Gly; replaces arginine 35709 with glycine.
Molecular consequence: missense variant.
Genome position (GRCh38, 1-based): chr2:178,528,626, T>C on the plus strand (A>G on the coding strand, the complement: TTN is on the minus strand). VCF-style: chr2-178528626-T-C. GRCh37 (hg19) VCF-style: chr2-179393353-T-C.
Other names: c.102202A>G, p.Arg34068Gly (NM_001256850.1); c.79930A>G, p.Arg26644Gly (NM_003319.4); c.99421A>G, p.Arg33141Gly (NM_133378.4); c.80305A>G, p.Arg26769Gly (NM_133432.3); c.80506A>G, p.Arg26836Gly (NM_133437.4); short protein forms R26644G, R26836G, R26769G, R35709G, R33141G, R34068G.
Identifiers: ClinVar variation 2937557 (VCV002937557.3), dbSNP rs2468295196, ClinGen allele CA349401851.
Genomic context (GRCh38, chr2:178,528,626, plus strand): 5'-GCTCGCCACTGATTTCACAAGTAAAGAGAACATTTTGTCCTTCATTAATATTTTGAGATC[T>C]AGGCTGTGAGATGAAGGCTGGAGCATCTGAGAGTTCTTTGCTCAGTGTCAAATCATACTG-3'
Protein context (NP_001254479.2, residues 35699-35719): SDAPAFISQP[Arg35709Gly]SQNINEGQNV

ClinVar aggregate classification (germline): Uncertain significance (1 of 4 stars; one submission).

Conditions:
Dilated cardiomyopathy 1G (CMD1G). Identifiers: Orphanet 154, MedGen C1858763, MONDO:0011400, OMIM 604145.
Autosomal recessive limb-girdle muscular dystrophy type 2J (LGMDR10). Also called: Limb-girdle muscular dystrophy, type 2J; MUSCULAR DYSTROPHY, LIMB-GIRDLE, AUTOSOMAL RECESSIVE 10. Identifiers: Orphanet 140922, MedGen C1837342, MONDO:0012127, OMIM 608807.

Allele frequency attached by ClinVar (database versions not stated): gnomAD exomes below 0.00001.
gnomAD v4.1: 1 of 1,612,772 alleles (0.000062%); highest among the groups gnomAD compares: South Asian, 0.0011%; no homozygotes.

Submission:

Labcorp Genetics (formerly Invitae), Labcorp
Classification: Uncertain significance for Dilated cardiomyopathy 1G; Autosomal recessive limb-girdle muscular dystrophy type 2J. Last evaluated: 2023-06-27. Review status: criteria provided, single submitter. Criteria: Invitae Variant Classification Sherloc (09022015). Collection method: clinical testing. Allele origin: germline.
Comment: Experimental studies and prediction algorithms are not available or were not evaluated, and the functional significance of this variant is currently unknown. This sequence change replaces arginine, which is basic and polar, with glycine, which is neutral and non-polar, at codon 35709 of the TTN protein (p.Arg35709Gly). This variant is not present in population databases (gnomAD no frequency). This variant has not been reported in the literature in individuals affected with TTN-related conditions. This variant is located in the M band of TTN (PMID: 25589632). Variants in this region may be relevant for neuromuscular disorders, but have not been definitively shown to cause cardiomyopathy (PMID: 23975875). In summary, the available evidence is currently insufficient to determine the role of this variant in disease. Therefore, it has been classified as a Variant of Uncertain Significance.

Literature cited by the submitters: PubMed 25589632; PubMed 23975875.